The following is an entry in ClinVar:

ClinVar aggregate classification (germline): Uncertain significance (1 of 4 stars; one submission).

Submission:

Labcorp Genetics (formerly Invitae), Labcorp
Classification: Uncertain significance. Last evaluated: 2022-10-04. Review status: criteria provided, single submitter. Criteria: Invitae Variant Classification Sherloc (09022015). Collection method: clinical testing. Allele origin: germline.
Comment: This variant is not present in population databases (gnomAD no frequency). In summary, the available evidence is currently insufficient to determine the role of this variant in disease. Therefore, it has been classified as a Variant of Uncertain Significance. Algorithms developed to predict the effect of missense changes on protein structure and function output the following: SIFT: "Tolerated"; PolyPhen-2: "Benign"; Align-GVGD: "Class C0". The aspartic acid amino acid residue is found in multiple mammalian species, which suggests that this missense change does not adversely affect protein function. This variant has not been reported in the literature in individuals affected with ANKRD26-related conditions. This sequence change replaces tyrosine, which is neutral and polar, with aspartic acid, which is acidic and polar, at codon 433 of the ANKRD26 protein (p.Tyr433Asp).

NM_014915.3(ANKRD26):c.1297T>G (p.Tyr433Asp)

Gene: ANKRD26 (ankyrin repeat domain 26; minus strand). Cytogenetic location: 10p12.1.
Variant type: single nucleotide variant.
Coding change: c.1297T>G on transcript NM_014915.3 (MANE Select); coding-DNA position 1297, T replaced by G.
Protein change: p.Tyr433Asp; replaces tyrosine 433 with aspartic acid.
Molecular consequence: missense variant.
Genome position (GRCh38, 1-based): chr10:27,064,054, A>C on the plus strand (T>G on the coding strand, the complement: ANKRD26 is on the minus strand). VCF-style: chr10-27064054-A-C. GRCh37 (hg19) VCF-style: chr10-27352983-A-C.
Other names: c.1297T>G, p.Tyr433Asp (NM_001256053.2); short protein forms Y433D.
Identifiers: ClinVar variation 1720516 (VCV001720516.5), dbSNP rs2055156534, ClinGen allele CA376358939.
Genomic context (GRCh38, chr10:27,064,054, plus strand): 5'-CTTGTTCATTTCCTATATTTTTTTCTTTTCCGTCTGCAGCCCCAGCTAAAGGATCAACAT[A>C]CTTCTGTGGAAAATTCTCAGAGATACTCTGTTAAAATTAGTATCAATAATGAGTTTCAAT-3'
Protein context (NP_055730.2, residues 423-443): ESISENFPQK[Tyr433Asp]VDPLAGAADG